The following is an entry in ClinVar:

ClinVar aggregate classification (germline): Uncertain significance (1 of 4 stars; one submission).

Allele frequency attached by ClinVar (database versions not stated): TOPMed below 0.00001; ExAC 0.00001; gnomAD 0.00001; 1000 Genomes Project 30x 0.00016; 1000 Genomes Project 0.00020.
gnomAD v4.1: 6 of 1,612,600 alleles (0.00037%); highest among the groups gnomAD compares: Admixed American, 0.01%; no homozygotes.

Submission:

Labcorp Genetics (formerly Invitae), Labcorp
Classification: Uncertain significance. Last evaluated: 2023-11-24. Review status: criteria provided, single submitter. Criteria: Invitae Variant Classification Sherloc (09022015). Collection method: clinical testing. Allele origin: germline.
Comment: This sequence change replaces proline, which is neutral and non-polar, with serine, which is neutral and polar, at codon 545 of the SLC19A1 protein (p.Pro545Ser). This variant is present in population databases (rs201271808, gnomAD 0.003%). This variant has not been reported in the literature in individuals affected with SLC19A1-related conditions. An algorithm developed to predict the effect of missense changes on protein structure and function (PolyPhen-2) suggests that this variant is likely to be tolerated. In summary, the available evidence is currently insufficient to determine the role of this variant in disease. Therefore, it has been classified as a Variant of Uncertain Significance.

NM_194255.4(SLC19A1):c.1633C>T (p.Pro545Ser)

Gene: SLC19A1 (solute carrier family 19 member 1; minus strand). Cytogenetic location: 21q22.3.
Variant type: single nucleotide variant.
Coding change: c.1633C>T on transcript NM_194255.4 (MANE Select); coding-DNA position 1633, C replaced by T.
Protein change: p.Pro545Ser; replaces proline 545 with serine.
Molecular consequence: missense variant. On other transcripts: intron variant (2).
Genome position (GRCh38, 1-based): chr21:45,515,801, G>A on the plus strand (C>T on the coding strand, the complement: SLC19A1 is on the minus strand). VCF-style: chr21-45515801-G-A. GRCh37 (hg19) VCF-style: chr21-46935715-G-A.
Other names: c.1513C>T, p.Pro505Ser (NM_001205207.3); c.1279C>T, p.Pro427Ser (NM_001352510.2); c.1633C>T, p.Pro545Ser (NM_001352512.2); c.1294-649C>T (NM_001352511.3, NM_001205206.4); short protein forms P505S, P545S, P427S.
Identifiers: ClinVar variation 2884290 (VCV002884290.3), dbSNP rs201271808, ClinGen allele CA10068240.